The following is an entry in ClinVar:

NM_005720.4(ARPC1B):c.980A>G (p.Asn327Ser)

Gene: ARPC1B (actin related protein 2/3 complex subunit 1B; plus strand). Cytogenetic location: 7q22.1.
Variant type: single nucleotide variant.
Coding change: c.980A>G on transcript NM_005720.4 (MANE Select); coding-DNA position 980, A replaced by G.
Protein change: p.Asn327Ser; replaces asparagine 327 with serine.
Molecular consequence: missense variant.
Genome position (GRCh38, 1-based): chr7:99,392,867, A>G. VCF-style: chr7-99392867-A-G. GRCh37 (hg19) VCF-style: chr7-98990490-A-G.
Other names: c.980A>G (NM_005720.3); short protein forms N327S.
Identifiers: ClinVar variation 1412865 (VCV001412865.8), dbSNP rs903910250, ClinGen allele CA163113731.

ClinVar aggregate classification (germline): Uncertain significance. Review status: criteria provided, multiple submitters, no conflicts (2 of 4 stars). 2 submissions from 2 submitters: Uncertain significance (2). Last evaluated 2026-01-05.

Conditions:
Inborn genetic diseases. Identifiers: MedGen C0950123, MeSH D030342.

Allele frequency attached by ClinVar (database versions not stated): gnomAD 0.00003 and 0.00004; gnomAD exomes 0.00006; TOPMed 0.00006.
gnomAD v4.1: 26 of 1,544,892 alleles (0.0017%); highest among the groups gnomAD compares: Admixed American, 0.024%; no homozygotes.

Submissions (2):

Labcorp Genetics (formerly Invitae), Labcorp
Classification: Uncertain significance. Last evaluated: 2026-01-05. Review status: criteria provided, single submitter. Criteria: Invitae Variant Classification Sherloc (09022015). Collection method: clinical testing. Allele origin: germline.
Comment: This sequence change replaces asparagine, which is neutral and polar, with serine, which is neutral and polar, at codon 327 of the ARPC1B protein (p.Asn327Ser). This variant is present in population databases (no rsID available, gnomAD 0.02%). This variant has not been reported in the literature in individuals affected with ARPC1B-related conditions. ClinVar contains an entry for this variant (Variation ID: 1412865). Invitae Evidence Modeling of protein sequence and biophysical properties (such as structural, functional, and spatial information, amino acid conservation, physicochemical variation, residue mobility, and thermodynamic stability) indicates that this missense variant is not expected to disrupt ARPC1B protein function with a negative predictive value of 80%. In summary, the available evidence is currently insufficient to determine the role of this variant in disease. Therefore, it has been classified as a Variant of Uncertain Significance.

Ambry Genetics
Classification: Uncertain significance for Inborn genetic diseases. Last evaluated: 2024-11-26. Review status: criteria provided, single submitter. Criteria: Ambry Variant Classification Scheme 2023. Collection method: clinical testing. Allele origin: germline.